The following is an entry in ClinVar:

NM_144585.4(SLC22A12):c.1217G>A (p.Arg406His)

Gene: SLC22A12 (solute carrier family 22 member 12; plus strand). Cytogenetic location: 11q13.1.
Variant type: single nucleotide variant.
Coding change: c.1217G>A on transcript NM_144585.4 (MANE Select); coding-DNA position 1217, G replaced by A.
Protein change: p.Arg406His; replaces arginine 406 with histidine.
Molecular consequence: missense variant.
Genome position (GRCh38, 1-based): chr11:64,599,822, G>A. VCF-style: chr11-64599822-G-A. GRCh37 (hg19) VCF-style: chr11-64367294-G-A.
Other names: c.1115G>A, p.Arg372His (NM_001276326.2); c.893G>A, p.Arg298His (NM_001276327.2); c.554G>A, p.Arg185His (NM_153378.3); short protein forms R298H, R372H, R185H, R406H.
Identifiers: ClinVar variation 1908832 (VCV001908832.7), dbSNP rs372595086, ClinGen allele CA6077343.

ClinVar aggregate classification (germline): Uncertain significance. Review status: criteria provided, multiple submitters, no conflicts (2 of 4 stars). 3 submissions from 3 submitters: Uncertain significance (3). Last evaluated 2025-11-10.

Conditions:
Inborn genetic diseases. Identifiers: MedGen C0950123, MeSH D030342.
Dalmatian hypouricemia (RHUC1). Identifiers: MedGen C0473219, MONDO:0020728, OMIM 220150.

Allele frequency attached by ClinVar (database versions not stated): TOPMed 0.00004; gnomAD 0.00005; ESP Exome Variant Server 0.00008; 1000 Genomes Project 30x 0.00016; 1000 Genomes Project 0.00020.
gnomAD v4.1: 31 of 1,612,772 alleles (0.0019%); highest among the groups gnomAD compares: Middle Eastern, 0.033%; no homozygotes.

Submissions (3):

Labcorp Genetics (formerly Invitae), Labcorp
Classification: Uncertain significance. Last evaluated: 2025-11-10. Review status: criteria provided, single submitter. Criteria: Invitae Variant Classification Sherloc (09022015). Collection method: clinical testing. Allele origin: germline.
Comment: This sequence change replaces arginine, which is basic and polar, with histidine, which is basic and polar, at codon 406 of the SLC22A12 protein (p.Arg406His). This variant is present in population databases (rs372595086, gnomAD 0.02%). This variant has not been reported in the literature in individuals affected with SLC22A12-related conditions. ClinVar contains an entry for this variant (Variation ID: 1908832). An algorithm developed to predict the effect of missense changes on protein structure and function (PolyPhen-2) suggests that this variant is likely to be disruptive. This variant disrupts the p.Arg406 amino acid residue in SLC22A12. Other variant(s) that disrupt this residue have been determined to be pathogenic (PMID: 21148271, 30920107). This suggests that this residue is clinically significant, and that variants that disrupt this residue are likely to be disease-causing. In summary, the available evidence is currently insufficient to determine the role of this variant in disease. Therefore, it has been classified as a Variant of Uncertain Significance.

Fulgent Genetics
Classification: Uncertain significance for Dalmatian hypouricemia. Last evaluated: 2024-03-09. Review status: criteria provided, single submitter. Criteria: ACMG Guidelines, 2015. Collection method: clinical testing. Allele origin: germline.

Ambry Genetics
Classification: Uncertain significance for Inborn genetic diseases. Last evaluated: 2021-07-06. Review status: criteria provided, single submitter. Criteria: Ambry Variant Classification Scheme 2023. Collection method: clinical testing. Allele origin: germline.

Literature cited by the submitters: PubMed 21148271 (cited by Labcorp Genetics (formerly Invitae), Labcorp); PubMed 30920107 (cited by Labcorp Genetics (formerly Invitae), Labcorp).